The following is an entry in ClinVar:

NM_001042681.2(RERE):c.3781C>T (p.Arg1261Trp)

Gene: RERE (arginine-glutamic acid dipeptide repeats; minus strand). Cytogenetic location: 1p36.23.
Variant type: single nucleotide variant.
Coding change: c.3781C>T on transcript NM_001042681.2 (MANE Select); coding-DNA position 3781, C replaced by T.
Protein change: p.Arg1261Trp; replaces arginine 1261 with tryptophan.
Molecular consequence: missense variant.
Genome position (GRCh38, 1-based): chr1:8,358,754, G>A on the plus strand (C>T on the coding strand, the complement: RERE is on the minus strand). VCF-style: chr1-8358754-G-A. GRCh37 (hg19) VCF-style: chr1-8418814-G-A.
Other names: c.2119C>T, p.Arg707Trp (NM_001042682.2); c.3781C>T, p.Arg1261Trp (NM_012102.4); short protein forms R1261W, R707W.
Identifiers: ClinVar variation 4795717 (VCV004795717.2).

ClinVar aggregate classification (germline): Uncertain significance. Review status: criteria provided, multiple submitters, no conflicts (2 of 4 stars). 2 submissions from 2 submitters: Uncertain significance (2). Last evaluated 2026-02-20.

Conditions:
Neurodevelopmental disorder with or without anomalies of the brain, eye, or heart (NEDBEH). Identifiers: Orphanet 494344, MedGen C5567477, MONDO:0014857, OMIM 616975.

gnomAD v4.1: 2 of 1,611,108 alleles (0.00012%); highest among the groups gnomAD compares: Non-Finnish European, 0.00017%; no homozygotes.

Submissions (2):

Laboratorio de Genetica e Diagnostico Molecular, Hospital Israelita Albert Einstein
Classification: Uncertain significance for Neurodevelopmental disorder with or without anomalies of the brain, eye, or heart. Last evaluated: 2026-02-20. Review status: criteria provided, single submitter. Criteria: ACMG Guidelines, 2015. Collection method: clinical testing. Allele origin: germline. Affected: yes.
Comment: ACMG classification criteria: PM2 supporting, PP3 supporting

GeneDx
Classification: Uncertain significance. Last evaluated: 2025-08-12. Review status: criteria provided, single submitter. Criteria: GeneDx Variant Classification Process June 2021. Collection method: clinical testing. Allele origin: germline. Affected: yes.
Comment: Not observed at significant frequency in large population cohorts (gnomAD); In silico analysis supports that this missense variant has a deleterious effect on protein structure/function; Has not been previously published as pathogenic or benign to our knowledge